The following is an entry in ClinVar:

NM_017612.5(ZCCHC8):c.666A>C (p.Ala222=)

Gene: ZCCHC8 (zinc finger CCHC-type containing 8; minus strand). Cytogenetic location: 12q24.31.
Variant type: single nucleotide variant.
Coding change: c.666A>C on transcript NM_017612.5 (MANE Select); coding-DNA position 666, A replaced by C.
Protein change: p.Ala222=; no amino-acid change (alanine 222 retained).
Molecular consequence: synonymous variant. On other transcripts: intron variant (3).
Genome position (GRCh38, 1-based): chr12:122,483,284, T>G on the plus strand (A>C on the coding strand, the complement: ZCCHC8 is on the minus strand). VCF-style: chr12-122483284-T-G. GRCh37 (hg19) VCF-style: chr12-122967831-T-G.
Other names: c.369A>C, p.Ala123= (NM_001350936.2); c.-43-589A>C (NM_001350938.2, NM_001350937.2); c.502-1197A>C (NM_001350935.2); c.666A>C (NM_017612.4).
Identifiers: ClinVar variation 2067377 (VCV002067377.6), dbSNP rs759702189, ClinGen allele CA6846404.

ClinVar aggregate classification (germline): Likely benign. Review status: criteria provided, multiple submitters, no conflicts (2 of 4 stars). 3 submissions from 3 submitters: Likely benign (3). Last evaluated 2025-12-02.

Conditions:
ZCCHC8-related disorder. Also called: ZCCHC8-related condition.

Allele frequency attached by ClinVar (database versions not stated): ExAC 0.00014.
gnomAD v4.1: 77 of 1,595,234 alleles (0.0048%); highest among the groups gnomAD compares: Middle Eastern, 0.12%; no homozygotes.

Submissions (3):

Labcorp Genetics (formerly Invitae), Labcorp
Classification: Likely benign. Last evaluated: 2025-12-02. Review status: criteria provided, single submitter. Criteria: Invitae Variant Classification Sherloc (09022015). Collection method: clinical testing. Allele origin: germline.

PreventionGenetics, part of Exact Sciences
Classification: Likely benign for ZCCHC8-related condition. Last evaluated: 2025-09-04. Review status: criteria provided, single submitter. Criteria: ACMG Guidelines, 2015. Collection method: clinical testing. Allele origin: germline.
Comment: This variant is classified as likely benign based on ACMG/AMP sequence variant interpretation guidelines (Richards et al. 2015 PMID: 25741868, with internal and published modifications).

Blueprint Genetics
Classification: Likely benign. Last evaluated: 2024-08-06. Review status: criteria provided, single submitter. Criteria: ACMG Guidelines, 2015. Collection method: clinical testing. Allele origin: germline.